The following is an entry in ClinVar:

ClinVar aggregate classification (germline): Uncertain significance (1 of 4 stars; one submission).

Conditions:
AR-related disorder. Also called: AR-related condition.

Submission:

PreventionGenetics, part of Exact Sciences
Classification: Uncertain significance for AR-related condition. Last evaluated: 2025-10-31. Review status: criteria provided, single submitter. Criteria: ACMG Guidelines, 2015. Collection method: clinical testing. Allele origin: germline.
Comment: The AR c.2144A>C variant is predicted to result in the amino acid substitution p.His715Pro. To our knowledge, this variant has not been reported in the literature or in a large population database (gnomAD), indicating this variant is rare. At this time, the clinical significance of this variant is uncertain due to the absence of conclusive functional and genetic evidence.

NM_000044.6(AR):c.2144A>C (p.His715Pro)

Gene: AR (androgen receptor; plus strand). Cytogenetic location: Xq12.
Variant type: single nucleotide variant.
Coding change: c.2144A>C on transcript NM_000044.6 (MANE Select); coding-DNA position 2144, A replaced by C.
Protein change: p.His715Pro; replaces histidine 715 with proline.
Molecular consequence: missense variant.
Genome position (GRCh38, 1-based): chrX:67,711,660, A>C. VCF-style: chrX-67711660-A-C. GRCh37 (hg19) VCF-style: chrX-66931502-A-C.
Other names: c.548A>C, p.His183Pro (NM_001011645.3); short protein forms H715P, H183P.
Identifiers: ClinVar variation 4993004 (VCV004993004.1).
Genomic context (GRCh38, chrX:67,711,660, plus strand): 5'-CCGACTCCTTTGCAGCCTTGCTCTCTAGCCTCAATGAACTGGGAGAGAGACAGCTTGTAC[A>C]CGTGGTCAAGTGGGCCAAGGCCTTGCCTGGTAAGGAAAAGGGAAGTGGGAGCATGAGATA-3'
Protein context (NP_000035.2, residues 705-725): LNELGERQLV[His715Pro]VVKWAKALPG